The following is an entry in ClinVar:

NM_005422.4(TECTA):c.6033C>T (p.Ile2011=)

Genes: TBCEL-TECTA (TBCEL-TECTA readthrough; plus strand), TECTA (tectorin alpha; plus strand). Cytogenetic location: 11q23.3.
Variant type: single nucleotide variant.
Coding change: c.6033C>T on transcript NM_005422.4 (MANE Select); coding-DNA position 6033, C replaced by T.
Protein change: p.Ile2011=; no amino-acid change (isoleucine 2011 retained).
Molecular consequence: synonymous variant.
Genome position (GRCh38, 1-based): chr11:121,187,865, C>T. VCF-style: chr11-121187865-C-T. GRCh37 (hg19) VCF-style: chr11-121058574-C-T.
Other names: c.6975C>T, p.Ile2325= (NM_001378761.1).
Identifiers: ClinVar variation 505058 (VCV000505058.9), dbSNP rs1350403244, ClinGen allele CA477209064.

ClinVar aggregate classification (germline): Likely benign. Review status: criteria provided, multiple submitters, no conflicts (2 of 4 stars). 3 submissions from 3 submitters: Likely benign (3). Last evaluated 2022-09-20.

Allele frequency attached by ClinVar (database versions not stated): gnomAD exomes 0.00001; gnomAD 0.00002 and 0.00003; TOPMed 0.00005.
gnomAD v4.1: 14 of 1,614,102 alleles (0.00087%); highest among the groups gnomAD compares: East Asian, 0.0022%; no homozygotes.

Submissions (3):

Blueprint Genetics
Classification: Likely benign. Last evaluated: 2022-09-20. Review status: criteria provided, single submitter. Criteria: ACMG Guidelines, 2015. Collection method: clinical testing. Allele origin: germline.

Labcorp Genetics (formerly Invitae), Labcorp
Classification: Likely benign. Last evaluated: 2018-06-20. Review status: criteria provided, single submitter. Criteria: Invitae Variant Classification Sherloc (09022015). Collection method: clinical testing. Allele origin: germline.

Laboratory for Molecular Medicine, Mass General Brigham Personalized Medicine
Classification: Likely benign. Last evaluated: 2016-06-02. Review status: criteria provided, single submitter. Criteria: LMM Criteria. Collection method: clinical testing. Allele origin: germline. Observed: 1 variant allele.
Comment: p.Ile2011Ile in exon 20 of TECTA: This variant is not expected to have clinical significance because it does not alter an amino acid residue and is not located within the splice consensus sequence.